The following is an entry in ClinVar:

ClinVar aggregate classification (germline): Uncertain significance (1 of 4 stars; one submission).

Conditions:
Juvenile polyposis syndrome (JPS). Identifiers: Orphanet 2929, MedGen C0345893, MONDO:0017380, OMIM 174900.

Submission:

Labcorp Genetics (formerly Invitae), Labcorp
Classification: Uncertain significance for Juvenile polyposis syndrome. Last evaluated: 2023-05-24. Review status: criteria provided, single submitter. Criteria: Invitae Variant Classification Sherloc (09022015). Collection method: clinical testing. Allele origin: germline.
Comment: This sequence change replaces proline, which is neutral and non-polar, with arginine, which is basic and polar, at codon 218 of the SMAD4 protein (p.Pro218Arg). This variant is not present in population databases (gnomAD no frequency). This variant has not been reported in the literature in individuals affected with SMAD4-related conditions. Advanced modeling of protein sequence and biophysical properties (such as structural, functional, and spatial information, amino acid conservation, physicochemical variation, residue mobility, and thermodynamic stability) has been performed at Invitae for this missense variant, however the output from this modeling did not meet the statistical confidence thresholds required to predict the impact of this variant on SMAD4 protein function. In summary, the available evidence is currently insufficient to determine the role of this variant in disease. Therefore, it has been classified as a Variant of Uncertain Significance.

NM_005359.6(SMAD4):c.653C>G (p.Pro218Arg)

Gene: SMAD4 (SMAD family member 4; plus strand). Cytogenetic location: 18q21.2.
Variant type: single nucleotide variant.
Coding change: c.653C>G on transcript NM_005359.6 (MANE Select); coding-DNA position 653, C replaced by G.
Protein change: p.Pro218Arg; replaces proline 218 with arginine.
Molecular consequence: missense variant. On other transcripts: non-coding transcript variant (2).
Genome position (GRCh38, 1-based): chr18:51,054,979, C>G. VCF-style: chr18-51054979-C-G. GRCh37 (hg19) VCF-style: chr18-48581349-C-G.
Other names: c.653C>G, p.Pro218Arg (NM_001407041.1, NM_001407042.1, NM_001407043.1); short protein forms P218R.
Identifiers: ClinVar variation 2863344 (VCV002863344.3), dbSNP rs1909802993, ClinGen allele CA402461320.